The following is an entry in ClinVar:

NM_001142966.3(GREB1L):c.1124C>G (p.Pro375Arg)

Genes: GREB1L (GREB1 like retinoic acid receptor coactivator; plus strand), GREB1L-AS1 (GREB1L antisense RNA 1; minus strand). Cytogenetic location: 18q11.1.
Variant type: single nucleotide variant.
Coding change: c.1124C>G on transcript NM_001142966.3 (MANE Select); coding-DNA position 1124, C replaced by G.
Protein change: p.Pro375Arg; replaces proline 375 with arginine.
Molecular consequence: missense variant.
Genome position (GRCh38, 1-based): chr18:21,441,454, C>G. VCF-style: chr18-21441454-C-G. GRCh37 (hg19) VCF-style: chr18-19021415-C-G.
Other names: short protein forms P375R.
Identifiers: ClinVar variation 1512867 (VCV001512867.6), dbSNP rs764822745, ClinGen allele CA401800127.

ClinVar aggregate classification (germline): Uncertain significance (1 of 4 stars; one submission).

gnomAD v4.1: 1 of 1,551,524 alleles (0.000064%); no homozygotes.

Submission:

Labcorp Genetics (formerly Invitae), Labcorp
Classification: Uncertain significance. Last evaluated: 2022-04-08. Review status: criteria provided, single submitter. Criteria: Invitae Variant Classification Sherloc (09022015). Collection method: clinical testing. Allele origin: germline.
Comment: In summary, the available evidence is currently insufficient to determine the role of this variant in disease. Therefore, it has been classified as a Variant of Uncertain Significance. Algorithms developed to predict the effect of missense changes on protein structure and function are either unavailable or do not agree on the potential impact of this missense change (SIFT: "Not Available"; PolyPhen-2: "Probably Damaging"; Align-GVGD: "Not Available"). This missense change has been observed in at least one individual who was not affected with GREB1L-related conditions (Invitae). This variant has not been reported in the literature in individuals affected with GREB1L-related conditions. This variant is present in population databases (no rsID available, gnomAD 0.004%). This sequence change replaces proline, which is neutral and non-polar, with arginine, which is basic and polar, at codon 375 of the GREB1L protein (p.Pro375Arg).